The following is an entry in ClinVar:

NM_000535.7(PMS2):c.47A>G (p.Lys16Arg)

Gene: PMS2 (PMS1 homolog 2, mismatch repair system component; minus strand). Cytogenetic location: 7p22.1.
Variant type: single nucleotide variant.
Coding change: c.47A>G on transcript NM_000535.7 (MANE Select); coding-DNA position 47, A replaced by G.
Protein change: p.Lys16Arg; replaces lysine 16 with arginine.
Molecular consequence: missense variant. On other transcripts: 5 prime UTR variant (8), non-coding transcript variant (1), intron variant (3).
Genome position (GRCh38, 1-based): chr7:6,006,008, T>C on the plus strand (A>G on the coding strand, the complement: PMS2 is on the minus strand). VCF-style: chr7-6006008-T-C. GRCh37 (hg19) VCF-style: chr7-6045639-T-C.
Other names: c.-359A>G (NM_001322003.2, NM_001322005.2, NM_001322009.2 and 1 more transcripts); c.47A>G, p.Lys16Arg (NM_001322006.2, NM_001322014.2); c.-169A>G (NM_001322007.2); c.-838A>G (NM_001322011.2, NM_001322012.2); c.-438A>G (NM_001322015.2); c.-52-1950A>G (NM_001322008.2); c.-242-1950A>G (NM_001322010.2, NM_001322004.2); short protein forms K16R.
Identifiers: ClinVar variation 525703 (VCV000525703.17), dbSNP rs1554306581, ClinGen allele CA366745160.

ClinVar aggregate classification (germline): Uncertain significance. Review status: criteria provided, multiple submitters, no conflicts (2 of 4 stars). 3 submissions from 3 submitters: Uncertain significance (3). Last evaluated 2024-04-30.

Conditions:
Hereditary nonpolyposis colorectal neoplasms. Identifiers: MedGen C0009405, MeSH D003123.
Hereditary cancer-predisposing syndrome. Also called: Neoplastic Syndromes, Hereditary; Tumor predisposition; Hereditary Cancer Syndrome; Hereditary neoplastic syndrome. Identifiers: Orphanet 140162, MedGen C0027672, MeSH D009386, MONDO:0015356.

Allele frequency attached by ClinVar (database versions not stated): gnomAD exomes below 0.00001; TOPMed below 0.00001; gnomAD 0.00001.
gnomAD v4.1: 2 of 1,610,630 alleles (0.00012%); highest among the groups gnomAD compares: African/African-American, 0.0013%; no homozygotes.

Submissions (3):

Ambry Genetics
Classification: Uncertain significance for Hereditary cancer-predisposing syndrome. Last evaluated: 2024-04-30. Review status: criteria provided, single submitter. Criteria: Ambry Variant Classification Scheme 2023. Collection method: clinical testing. Allele origin: germline.
Comment: The p.K16R variant (also known as c.47A>G), located in coding exon 2 of the PMS2 gene, results from an A to G substitution at nucleotide position 47. The lysine at codon 16 is replaced by arginine, an amino acid with highly similar properties. This amino acid position is not well conserved in available vertebrate species. In addition, this alteration is predicted to be tolerated by in silico analysis. Based on the available evidence, the clinical significance of this variant remains unclear.

Labcorp Genetics (formerly Invitae), Labcorp
Classification: Uncertain significance for Hereditary nonpolyposis colorectal neoplasms. Last evaluated: 2024-01-11. Review status: criteria provided, single submitter. Criteria: Invitae Variant Classification Sherloc (09022015). Collection method: clinical testing. Allele origin: germline.
Comment: This sequence change replaces lysine, which is basic and polar, with arginine, which is basic and polar, at codon 16 of the PMS2 protein (p.Lys16Arg). This variant is not present in population databases (gnomAD no frequency). This variant has not been reported in the literature in individuals affected with PMS2-related conditions. ClinVar contains an entry for this variant (Variation ID: 525703). Advanced modeling of protein sequence and biophysical properties (such as structural, functional, and spatial information, amino acid conservation, physicochemical variation, residue mobility, and thermodynamic stability) performed at Invitae indicates that this missense variant is not expected to disrupt PMS2 protein function with a negative predictive value of 80%. In summary, the available evidence is currently insufficient to determine the role of this variant in disease. Therefore, it has been classified as a Variant of Uncertain Significance.

Color Diagnostics, LLC DBA Color Health
Classification: Uncertain significance for Hereditary cancer-predisposing syndrome. Last evaluated: 2019-07-31. Review status: criteria provided, single submitter. Criteria: ACMG Guidelines, 2015. Collection method: clinical testing. Allele origin: germline.
Comment: This missense variant replaces lysine with arginine at codon 16 of the PMS2 protein. Computational prediction tools and conservation analyses are inconclusive regarding the impact of this variant on the protein function. Computational splicing tools suggest that this variant may not impact RNA splicing. To our knowledge, functional assays have not been performed for this variant nor has this variant been reported in individuals affected with hereditary cancer in the literature. This variant has not been identified in the general population by the Genome Aggregation Database (gnomAD). Available evidence is insufficient to determine the role of this variant in disease conclusively. Therefore, this variant is classified as a Variant of Uncertain Significance.